The following is an entry in ClinVar:

NM_201525.4(ADGRG1):c.206C>T (p.Ala69Val)

Gene: ADGRG1 (adhesion G protein-coupled receptor G1; plus strand). Cytogenetic location: 16q21.
Variant type: single nucleotide variant.
Coding change: c.206C>T on transcript NM_201525.4 (MANE Select); coding-DNA position 206, C replaced by T.
Protein change: p.Ala69Val; replaces alanine 69 with valine.
Molecular consequence: missense variant. On other transcripts: 5 prime UTR variant (5), intron variant (2).
Genome position (GRCh38, 1-based): chr16:57,651,341, C>T. VCF-style: chr16-57651341-C-T. GRCh37 (hg19) VCF-style: chr16-57685253-C-T.
Other names: c.206C>T, p.Ala69Val (NM_001145770.3, NM_001145771.3, NM_001145772.3 and 16 more transcripts); c.221C>T, p.Ala74Val (NM_001145773.3, NM_001370433.1); c.-320C>T (NM_001290143.2, NM_001290144.2, NM_001370451.1 and 2 more transcripts); c.110+96C>T (NM_001290142.2); c.65-15C>T (NM_001370442.1); short protein forms A69V, A74V.
Identifiers: ClinVar variation 1516879 (VCV001516879.6), dbSNP rs754162706, ClinGen allele CA8078316.

ClinVar aggregate classification (germline): Uncertain significance (1 of 4 stars; one submission).

Allele frequency attached by ClinVar (database versions not stated): gnomAD exomes below 0.00001; ExAC 0.00001.

Submission:

Labcorp Genetics (formerly Invitae), Labcorp
Classification: Uncertain significance. Last evaluated: 2024-10-24. Review status: criteria provided, single submitter. Criteria: Invitae Variant Classification Sherloc (09022015). Collection method: clinical testing. Allele origin: germline.
Comment: This sequence change replaces alanine, which is neutral and non-polar, with valine, which is neutral and non-polar, at codon 69 of the ADGRG1 protein (p.Ala69Val). This variant is present in population databases (rs754162706, gnomAD 0.006%). This variant has not been reported in the literature in individuals affected with ADGRG1-related conditions. ClinVar contains an entry for this variant (Variation ID: 1516879). Invitae Evidence Modeling of protein sequence and biophysical properties (such as structural, functional, and spatial information, amino acid conservation, physicochemical variation, residue mobility, and thermodynamic stability) has been performed for this missense variant. However, the output from this modeling did not meet the statistical confidence thresholds required to predict the impact of this variant on ADGRG1 protein function. In summary, the available evidence is currently insufficient to determine the role of this variant in disease. Therefore, it has been classified as a Variant of Uncertain Significance.